The following is an entry in ClinVar:

ClinVar aggregate classification (germline): Uncertain significance. Review status: criteria provided, multiple submitters, no conflicts (2 of 4 stars). 2 submissions from 2 submitters: Uncertain significance (2). Last evaluated 2025-02-12.

Conditions:
Inborn genetic diseases. Identifiers: MedGen C0950123, MeSH D030342.

Allele frequency attached by ClinVar (database versions not stated): gnomAD exomes below 0.00001; TOPMed below 0.00001; gnomAD 0.00001.
gnomAD v4.1: 3 of 1,320,890 alleles (0.00023%); highest among the groups gnomAD compares: African/African-American, 0.0015%; no homozygotes.

Submissions (2):

Labcorp Genetics (formerly Invitae), Labcorp
Classification: Uncertain significance. Last evaluated: 2025-02-12. Review status: criteria provided, single submitter. Criteria: Invitae Variant Classification Sherloc (09022015). Collection method: clinical testing. Allele origin: germline.
Comment: This sequence change replaces glycine, which is neutral and non-polar, with serine, which is neutral and polar, at codon 95 of the CDK13 protein (p.Gly95Ser). This variant is not present in population databases (gnomAD no frequency). This variant has not been reported in the literature in individuals affected with CDK13-related conditions. ClinVar contains an entry for this variant (Variation ID: 2408295). Invitae Evidence Modeling of protein sequence and biophysical properties (such as structural, functional, and spatial information, amino acid conservation, physicochemical variation, residue mobility, and thermodynamic stability) indicates that this missense variant is not expected to disrupt CDK13 protein function with a negative predictive value of 95%. In summary, the available evidence is currently insufficient to determine the role of this variant in disease. Therefore, it has been classified as a Variant of Uncertain Significance.

Ambry Genetics
Classification: Uncertain significance for Inborn genetic diseases. Last evaluated: 2022-12-01. Review status: criteria provided, single submitter. Criteria: Ambry Variant Classification Scheme 2023. Collection method: clinical testing. Allele origin: germline.

NM_003718.5(CDK13):c.283G>A (p.Gly95Ser)

Genes: CDK13 (cyclin dependent kinase 13; plus strand), LOC129998292 (ATAC-STARR-seq lymphoblastoid silent region 18115; plus strand). Cytogenetic location: 7p14.1.
Variant type: single nucleotide variant.
Coding change: c.283G>A on transcript NM_003718.5 (MANE Select); coding-DNA position 283, G replaced by A.
Protein change: p.Gly95Ser; replaces glycine 95 with serine.
Molecular consequence: missense variant.
Genome position (GRCh38, 1-based): chr7:39,950,924, G>A. VCF-style: chr7-39950924-G-A. GRCh37 (hg19) VCF-style: chr7-39990523-G-A.
Other names: c.283G>A, p.Gly95Ser (NM_031267.4); short protein forms G95S.
Identifiers: ClinVar variation 2408295 (VCV002408295.3), dbSNP rs1167686585, ClinGen allele CA367309173.